The following is an entry in ClinVar:

ClinVar aggregate classification (germline): Uncertain significance (0 of 4 stars; one submission).

Conditions:
GRIK2-related disorder. Also called: GRIK2-related condition.

Submission:

PreventionGenetics, part of Exact Sciences
Classification: Uncertain significance for GRIK2-related condition. Last evaluated: 2024-05-28. Review status: no assertion criteria provided. Collection method: clinical testing. Allele origin: germline.
Comment: The GRIK2 c.239C>T variant is predicted to result in the amino acid substitution p.Thr80Ile. To our knowledge, this variant has not been reported in the literature or in a large population database, indicating this variant is rare. At this time, the clinical significance of this variant is uncertain due to the absence of conclusive functional and genetic evidence.

NM_021956.5(GRIK2):c.239C>T (p.Thr80Ile)

Gene: GRIK2 (glutamate ionotropic receptor kainate type subunit 2; plus strand). Cytogenetic location: 6q16.3.
Variant type: single nucleotide variant.
Coding change: c.239C>T on transcript NM_021956.5 (MANE Select); coding-DNA position 239, C replaced by T.
Protein change: p.Thr80Ile; replaces threonine 80 with isoleucine.
Molecular consequence: missense variant.
Genome position (GRCh38, 1-based): chr6:101,622,072, C>T. VCF-style: chr6-101622072-C-T. GRCh37 (hg19) VCF-style: chr6-102069947-C-T.
Other names: c.239C>T, p.Thr80Ile (NM_001166247.1, NM_175768.3); short protein forms T80I.
Identifiers: ClinVar variation 3346438 (VCV003346438.1).
Genomic context (GRCh38, chr6:101,622,072, plus strand): 5'-CTGTGAACACAATTAACAGAAACAGAACATTGCTACCCAATACTACCCTTACCTATGATA[C>T]CCAGAAGATAAACCTTTATGATAGTTTTGAAGCATCCAAGAAAGGTAATTGATAGATTTT-3'
Protein context (NP_068775.1, residues 70-90): LLPNTTLTYD[Thr80Ile]QKINLYDSFE